The following is an entry in ClinVar:

ClinVar aggregate classification (germline): Pathogenic (1 of 4 stars; one submission).

Conditions:
Dandy-Walker syndrome (DWS). Identifiers: Orphanet 217, MedGen C0010964, MeSH D003616, MONDO:0009072, OMIM 220200.
Kabuki syndrome 1 (KABUK1). Also called: KMT2D-Related Kabuki Syndrome. Identifiers: Orphanet 2322, MedGen CN030661, MONDO:0007843, OMIM 147920.

Submission:

Department of Neonatology, Xingtai People's Hospital
Classification: Pathogenic for Kabuki syndrome 1; Dandy-Walker syndrome. Review status: criteria provided, single submitter. Criteria: ACMG Guidelines, 2015. Collection method: clinical testing. Allele origin: de novo. Inheritance: Autosomal dominant inheritance. Affected: yes.
Comment: This variant is not found in gnomAD (PM2) or included in the literature on the comprehensive pathogenic mutation spectrum. The single nucleotide deletion leads to frameshift and premature termination in 39th (of 54) exons in canonical transcripts(PVS1). This variant was not found by sanger sequencing from the parental peripheral blood and considered as de novo mutation(PM6).

NM_003482.4(KMT2D):c.12165del (p.Glu4056fs)

Gene: KMT2D (lysine methyltransferase 2D; minus strand). Cytogenetic location: 12q13.12.
Variant type: Deletion.
Coding change: c.12165del on transcript NM_003482.4 (MANE Select); coding-DNA position 12165, one base deleted (T; older notation c.12165delT).
Protein change: p.Glu4056fs; shifts the reading frame from glutamic acid 4056.
Molecular consequence: frameshift variant.
Genome position (GRCh38, 1-based): chr12:49,032,540, A deleted on the plus strand (T on the coding strand, the reverse complement: KMT2D is on the minus strand). VCF-style (leftmost placement, unchanged base first): chr12-49032539-CA-C. GRCh37 (hg19) VCF-style: chr12-49426322-CA-C.
Other names: short protein forms E4056fs.
Identifiers: ClinVar variation 977786 (VCV000977786.3), dbSNP rs1942972419, ClinGen allele CA1139662672.
Genomic context (GRCh38, chr12:49,032,539, plus strand): 5'-GGAGTTGTGAGTCCCCAGAGAGTGAGGGCTTTACCTCTCCTGGTTCAGTGGCCATTGACT[CA>C]GGGGTAGTTCCTATTGCTAACGGCCCTCCCTGATGTGTAGAGGGCCCCTCAGTGGCCTCT-3'